The following is an entry in ClinVar:

ClinVar aggregate classification (germline): Likely pathogenic (1 of 4 stars; one submission).

Submission:

Athena Diagnostics
Classification: Likely pathogenic. Last evaluated: 2025-09-23. Review status: criteria provided, single submitter. Criteria: Athena Diagnostics Criteria. Collection method: clinical testing. Allele origin: unknown.
Comment: Similar deletions of exons 25-26 of the SCN1A gene have not been reported in large, multi-ethnic general populations (Genome Aggregation Database (gnomAD), Cambridge, MA (URL)). This deletion is expected to result in the loss of a functional protein in a gene for which loss of function is associated with disease.

Single allele

Gene: SCN1A (sodium voltage-gated channel alpha subunit 1; minus strand). Cytogenetic location: 2q24.3.
Variant type: Deletion.
Identifiers: ClinVar variation 4682423 (VCV004682423.1).